The following is an entry in ClinVar:

ClinVar aggregate classification (germline): Benign/Likely benign. Review status: criteria provided, multiple submitters, no conflicts (2 of 4 stars). 3 submissions from 3 submitters: Benign (1); Likely benign (2). Last evaluated 2026-01-26.

Allele frequency attached by ClinVar (database versions not stated): gnomAD exomes 0.00011 and 0.00029; ExAC 0.00033; 1000 Genomes Project 0.00040; 1000 Genomes Project 30x 0.00047; gnomAD 0.00084 and 0.00098; TOPMed 0.00106; ESP Exome Variant Server 0.00122.
gnomAD v4.1: 286 of 1,604,914 alleles (0.018%); highest among the groups gnomAD compares: African/African-American, 0.31%; 3 homozygotes.

Submissions (3):

Labcorp Genetics (formerly Invitae), Labcorp
Classification: Benign. Last evaluated: 2026-01-26. Review status: criteria provided, single submitter. Criteria: Invitae Variant Classification Sherloc (09022015). Collection method: clinical testing. Allele origin: germline.

Blueprint Genetics
Classification: Likely benign. Last evaluated: 2024-10-16. Review status: criteria provided, single submitter. Criteria: ACMG Guidelines, 2015. Collection method: clinical testing. Allele origin: germline.

CeGaT Center for Human Genetics Tuebingen
Classification: Likely benign. Last evaluated: 2022-07-01. Review status: criteria provided, single submitter. Criteria: CeGaT Center For Human Genetics Tuebingen Variant Classification Criteria Version 2. Collection method: clinical testing. Allele origin: germline. Affected: yes. Observed: 1 variant allele.
Comment: PITRM1: BP4, BP7

NM_014889.4(PITRM1):c.1824C>T (p.Pro608=)

Gene: PITRM1 (pitrilysin metallopeptidase 1; minus strand). Cytogenetic location: 10p15.2.
Variant type: single nucleotide variant.
Coding change: c.1824C>T on transcript NM_014889.4 (MANE Select); coding-DNA position 1824, C replaced by T.
Protein change: p.Pro608=; no amino-acid change (proline 608 retained).
Molecular consequence: synonymous variant. On other transcripts: non-coding transcript variant (4).
Genome position (GRCh38, 1-based): chr10:3,149,668, G>A on the plus strand (C>T on the coding strand, the complement: PITRM1 is on the minus strand). VCF-style: chr10-3149668-G-A. GRCh37 (hg19) VCF-style: chr10-3191860-G-A.
Other names: c.1728C>T, p.Pro576= (NM_001242309.1); c.1824C>T, p.Pro608= (NM_001242307.2, NM_001347725.2); c.1209C>T, p.Pro403= (NM_001347726.2, NM_001347727.2); c.519C>T, p.Pro173= (NM_001347728.2); c.1800C>T, p.Pro600= (NM_001347729.1, NM_001347730.1).
Identifiers: ClinVar variation 727239 (VCV000727239.31), dbSNP rs370041089, ClinGen allele CA5387669.